The following is an entry in ClinVar:

NM_001267550.2(TTN):c.88009+13C>T

Genes: TTN-AS1 (TTN antisense RNA 1; plus strand), TTN (titin; minus strand). Cytogenetic location: 2q31.2.
Variant type: single nucleotide variant.
Coding change: c.88009+13C>T on transcript NM_001267550.2 (MANE Select); 13 bases into the intron after coding-DNA position 88009, C replaced by T.
Molecular consequence: intron variant.
Genome position (GRCh38, 1-based): chr2:178,557,240, G>A on the plus strand (C>T on the coding strand, the complement: TTN is on the minus strand). VCF-style: chr2-178557240-G-A. GRCh37 (hg19) VCF-style: chr2-179421967-G-A.
Other names: c.60814+13C>T (NM_003319.4); c.61390+13C>T (NM_133437.4); c.61189+13C>T (NM_133432.3); c.80305+13C>T (NM_133378.4); c.83086+13C>T (NM_001256850.1).
Identifiers: ClinVar variation 47471 (VCV000047471.10), dbSNP rs397517739, ClinGen allele CA141112.

ClinVar aggregate classification (germline): Likely benign. Review status: criteria provided, multiple submitters, no conflicts (2 of 4 stars). 3 submissions from 3 submitters: Likely benign (3). Last evaluated 2024-10-16.

Conditions:
Dilated cardiomyopathy 1G (CMD1G). Identifiers: Orphanet 154, MedGen C1858763, MONDO:0011400, OMIM 604145.
Autosomal recessive limb-girdle muscular dystrophy type 2J (LGMDR10). Also called: Limb-girdle muscular dystrophy, type 2J; MUSCULAR DYSTROPHY, LIMB-GIRDLE, AUTOSOMAL RECESSIVE 10. Identifiers: Orphanet 140922, MedGen C1837342, MONDO:0012127, OMIM 608807.

Submissions (3):

Labcorp Genetics (formerly Invitae), Labcorp
Classification: Likely benign for Dilated cardiomyopathy 1G; Autosomal recessive limb-girdle muscular dystrophy type 2J. Last evaluated: 2024-10-16. Review status: criteria provided, single submitter. Criteria: Invitae Variant Classification Sherloc (09022015). Collection method: clinical testing. Allele origin: germline.

GeneDx
Classification: Likely benign. Last evaluated: 2017-11-22. Review status: criteria provided, single submitter. Criteria: GeneDx Variant Classification (06012015). Collection method: clinical testing. Allele origin: germline. Affected: yes.
Comment: This variant is considered likely benign or benign based on one or more of the following criteria: it is a conservative change, it occurs at a poorly conserved position in the protein, it is predicted to be benign by multiple in silico algorithms, and/or has population frequency not consistent with disease.

Laboratory for Molecular Medicine, Mass General Brigham Personalized Medicine
Classification: Likely benign. Last evaluated: 2013-02-25. Review status: criteria provided, single submitter. Criteria: LMM Criteria. Collection method: clinical testing. Allele origin: germline. Observed: 1 variant allele.
Comment: 80305+13C>T in intron 278 of TTN: This variant is not expected to have clinical significance because it is not located within the splice consensus sequence. 80 305+13C>T in intron 278 of TTN (allele frequency = n/a)